The following is an entry in ClinVar:

ClinVar aggregate classification (germline): Pathogenic. Review status: criteria provided, multiple submitters, no conflicts (2 of 4 stars). 2 submissions from 2 submitters: Pathogenic (2). Last evaluated 2021-07-24.

Conditions:
Hereditary cancer-predisposing syndrome. Also called: Hereditary neoplastic syndrome; Tumor predisposition; Neoplastic Syndromes, Hereditary; Hereditary Cancer Syndrome. Identifiers: Orphanet 140162, MedGen C0027672, MeSH D009386, MONDO:0015356.
Ataxia-telangiectasia syndrome (AT). Also called: Ataxia telangiectasia (A-T); Cerebello-oculocutaneous telangiectasia; Immunodeficiency with ataxia telangiectasia; AT, COMPLEMENTATION GROUP C; ATAXIA-TELANGIECTASIA, COMPLEMENTATION GROUP A; ATAXIA-TELANGIECTASIA, FRESNO VARIANT. Identifiers: Orphanet 100, MedGen C0004135, MONDO:0008840, OMIM 208900.

Submissions (2):

Labcorp Genetics (formerly Invitae), Labcorp
Classification: Pathogenic for Ataxia-telangiectasia syndrome. Last evaluated: 2021-07-24. Review status: criteria provided, single submitter. Criteria: Invitae Variant Classification Sherloc (09022015). Collection method: clinical testing. Allele origin: germline.
Comment: This variant is not present in population databases (ExAC no frequency). This sequence change creates a premature translational stop signal (p.Ser1409Profs*42) in the ATM gene. It is expected to result in an absent or disrupted protein product. Loss-of-function variants in ATM are known to be pathogenic (PMID: 23807571, 25614872). For these reasons, this variant has been classified as Pathogenic. ClinVar contains an entry for this variant (Variation ID: 854712). This variant has not been reported in the literature in individuals affected with ATM-related conditions.

Ambry Genetics
Classification: Pathogenic for Hereditary cancer-predisposing syndrome. Last evaluated: 2017-06-15. Review status: criteria provided, single submitter. Criteria: Ambry Variant Classification Scheme 2023. Collection method: clinical testing. Allele origin: germline.
Comment: The c.4225delT pathogenic mutation, located in coding exon 27 of the ATM gene, results from a deletion of one nucleotide at nucleotide position 4225, causing a translational frameshift with a predicted alternate stop codon (p.S1409Pfs*42). This alteration is expected to result in loss of function by premature protein truncation or nonsense-mediated mRNA decay. As such, this alteration is interpreted as a disease-causing mutation.

Literature cited by the submitters: PubMed 23807571 (cited by Labcorp Genetics (formerly Invitae), Labcorp); PubMed 25614872 (cited by Labcorp Genetics (formerly Invitae), Labcorp).

NM_000051.4(ATM):c.4225del (p.Ser1409fs)

Gene: ATM (ATM serine/threonine kinase; plus strand). Cytogenetic location: 11q22.3.
Variant type: Deletion.
Coding change: c.4225del on transcript NM_000051.4 (MANE Select); coding-DNA position 4225, one base deleted (T; older notation c.4225delT).
Protein change: p.Ser1409fs; shifts the reading frame from serine 1409.
Molecular consequence: frameshift variant.
Genome position (GRCh38, 1-based): chr11:108,289,092, T deleted; the last of 3 consecutive T bases (chr11:108,289,090-108,289,092); deleting any one gives the same sequence. VCF-style (leftmost placement, unchanged base first): chr11-108289089-CT-C. GRCh37 (hg19) VCF-style: chr11-108159816-CT-C.
Other names: c.4225del, p.Ser1409fs (NM_001351834.2); c.4225delT (NM_000051.3); short protein forms S1409fs.
Identifiers: ClinVar variation 854712 (VCV000854712.10), dbSNP rs2082647388, ClinGen allele CA916080450.